The following is an entry in ClinVar:

ClinVar aggregate classification (germline): Likely pathogenic. Review status: reviewed by expert panel (3 of 4 stars). 10 submissions from 10 submitters: Likely pathogenic (1). 9 of the submissions do not count toward it. Last evaluated 2024-07-21.

Conditions:
GAA-related disorder. Also called: GAA-related condition.
Glycogen storage disease, type II (IOPD). Also called: Glycogen storage disease type 2; Acid maltase deficiency disease; Aglucosidase alfa; Deficiency of alpha-glucosidase; Deficiency of lysosomal alpha-glucosidase; POMPE DISEASE, INFANTILE-ONSET. Identifiers: Orphanet 365, MedGen C0017921, MONDO:0009290, OMIM 232300.

Allele frequency attached by ClinVar (database versions not stated): gnomAD exomes 0.00001; TOPMed 0.00001; gnomAD 0.00003 and 0.00004; ESP Exome Variant Server 0.00008.
gnomAD v4.1: 20 of 1,614,030 alleles (0.0012%); highest among the groups gnomAD compares: Non-Finnish European, 0.0017%; no homozygotes.

Submissions (10):

ClinGen Lysosomal Storage Disorder Variant Curation Expert Panel
Classification: Likely pathogenic for Glycogen storage disease, type II. Last evaluated: 2024-07-21. Review status: reviewed by expert panel. Criteria: clingen_lsd_acmg_specifications_v2-1. Collection method: curation. Allele origin: germline. Inheritance: Autosomal recessive inheritance.
Comment: The NM_000152.5:c.1478C>T variant in GAA is predicted to result in the substitution of proline by leucine at amino acid 493 (p.Pro493Leu). At least 7 probands have been reported with this variant, including one adult and an affected sibling with documented values showing GAA activity below the normal range on dried blood spot assay, and treated with enzyme replacement therapy (ERT) (PMID 24495340), and another four individuals with features consistent with Pompe disease, three of them on enzyme replacement therapy (PMID: 25455803, 29181627, 31545528, 33188503). Furthermore, three individuals with the same genotype (thought to be unrelated but cannot be confirmed) were identified in a clinical diagnostic laboratory with GAA activity below the normal range on dried blood spot (PP4_Moderate). Two additional patients have been reported with P493L, but the cDNA change was not provided and, one patient was heterozygous without the identification of a second variant, therefore, this data will not be included (PMID: 20033296, 23160972, 31545528), and patient with suspected late onset Pompe disease was identified by newborn screening but was asymptomatic (PMID: 33202836). The 7 probands are compound heterozygous for the variant and a variant that has been classified as pathogenic by the ClinGen Lysosomal Diseases VCEP. The phase is unconfirmed in all of these patients. The second variant is either c.525delT (PMID: 25455803, and 3 presumably unrelated patients identified by a clinical diagnostic laboratory, max 2 patients counted, ClinVar Variation ID: 4033, SCV001443331.1; 2 x 0.5 points), c.1134C>G (p.Tyr378Ter), phase unknown (PMID: 29181627, ClinVar Variation ID: 595469, SCV001443283.2, 0.5 points), c.307T>G (p.Cys103Gly) (PMID: 24495340, ClinVar Variation ID: 92483, SCV002817442.1, 0.5 points), c.2560C>T (p.Arg854Ter) (ClinVar Variation ID: 4034, SCV001371731.1, 0.5 points), c.1655T>C (p.Leu552Pro) (PMID: 31545528, ClinVar Variation ID: 279811, SCV001371750.2) or c.-32-13T>G (PMID: 33188503, ClinVar Variation ID: 4027). 7 x 0.5 points = 3.5 points (PM3_Strong). The highest population minor allele frequency (MAF) in gnomAD v2.1.1 is 0.00003 (4/128962 alleles) in the European non-Finnish population, and in gnomAD v4.1. the MAF is 0.00001695 (20/1180038) in the European non-Finnish population. Both are lower than the ClinGen Lysosomal Diseases VCEP’s threshold for PM2_Supporting (<0.001), meeting this criterion (PM2_Supporting). The computational predictor REVEL gives a score of 0.911 which is above the threshold of 0.7, evidence that correlates with impact to GAA function (PP3). To our knowledge, results of functional studies are not available for this variant. There is a ClinVar entry for this variant (Variation ID 379593). In summary, this variant meets the criteria to be classified as likely pathogenic for Pompe disease. ACMG/AMP criteria applied, as specified by the ClinGen Lysosomal Diseases Variant Curation Expert Panel (Specifications Version 2.0): PM3_Strong, PP4_Moderate, PP3, PM2_Supporting. (Classification approved by the ClinGen Lysosomal Diseases Variant Curation Expert Panel on July 21, 2024)

Genomenon, Inc
Classification: Likely pathogenic for Glycogen storage disease, type II. Last evaluated: 2026-07-01. Review status: criteria provided, single submitter. Criteria: Genomenon Sequence Variant Interpretation Standards - Updated. Collection method: curation. Allele origin: germline. Affected: yes. Not counted in ClinVar's aggregate classification.
Comment: GAA p.Pro493Leu (c.1478C>T) is a missense variant that changes the amino acid at codon 493 from Proline to Leucine. This variant has been observed in at least one proband with a GAA-related disorder in the compound heterozygous and/or homozygous state (PMID:33188503;31545528;29653542;20033296;25455803;25614309;24495340). It is absent or not present at a significant frequency in gnomAD. In silico models predict that this variant is possibly or probably damaging. In conclusion, we classify GAA p.Pro493Leu (c.1478C>T) as a likely pathogenic variant.

Labcorp Genetics (formerly Invitae), Labcorp
Classification: Pathogenic for Glycogen storage disease, type II. Last evaluated: 2025-10-02. Review status: criteria provided, single submitter. Criteria: Invitae Variant Classification Sherloc (09022015). Collection method: clinical testing. Allele origin: germline. Not counted in ClinVar's aggregate classification.
Comment: This sequence change replaces proline, which is neutral and non-polar, with leucine, which is neutral and non-polar, at codon 493 of the GAA protein (p.Pro493Leu). This variant is present in population databases (rs148842275, gnomAD 0.003%). This missense change has been observed in individual(s) with reduced α-glucosidase acitivity (PMID: 20033296, 24495340, 25455803, 29181627). ClinVar contains an entry for this variant (Variation ID: 379593). Invitae Evidence Modeling of protein sequence and biophysical properties (such as structural, functional, and spatial information, amino acid conservation, physicochemical variation, residue mobility, and thermodynamic stability) indicates that this missense variant is expected to disrupt GAA protein function with a positive predictive value of 95%. For these reasons, this variant has been classified as Pathogenic.

CeGaT Center for Human Genetics Tuebingen
Classification: Likely pathogenic. Last evaluated: 2025-08-01. Review status: criteria provided, single submitter. Criteria: CeGaT Center For Human Genetics Tuebingen Variant Classification Criteria Version 2. Collection method: clinical testing. Allele origin: germline. Affected: yes. Observed: 2 variant alleles. Not counted in ClinVar's aggregate classification.
Comment: GAA: PM3:Strong, PP4:Moderate, PM2:Supporting

Revvity Omics, Revvity
Classification: Likely pathogenic. Last evaluated: 2025-06-30. Review status: criteria provided, single submitter. Criteria: ACMG Guidelines, 2015. Collection method: clinical testing. Allele origin: germline. Not counted in ClinVar's aggregate classification.

GeneDx
Classification: Pathogenic. Last evaluated: 2025-04-15. Review status: criteria provided, single submitter. Criteria: GeneDx Variant Classification Process June 2021. Collection method: clinical testing. Allele origin: germline. Affected: yes. Not counted in ClinVar's aggregate classification.
Comment: Not observed at significant frequency in large population cohorts (gnomAD); In silico analysis supports that this missense variant has a deleterious effect on protein structure/function; This variant is associated with the following publications: (PMID: 24495340, 25455803, 20033296, 33202836, 29181627, 27896092, 33188503, 19343043, 22253258, 40136631)

PreventionGenetics, part of Exact Sciences
Classification: Likely pathogenic for GAA-related condition. Last evaluated: 2025-03-10. Review status: criteria provided, single submitter. Criteria: ACMG Guidelines, 2015. Collection method: clinical testing. Allele origin: germline. Not counted in ClinVar's aggregate classification.
Comment: The GAA c.1478C>T variant is predicted to result in the amino acid substitution p.Pro493Leu. This variant has been reported in the heterozygous state in two patients diagnosed with adult-onset Pompe disease. The first patient was also heterozygous for a second rare likely pathogenic GAA variant, and was reported to have decreased alpha-glucosidase activity (Schneider et al. 2013. PubMed ID: 23160972, patient #2). The second patient was also heterozygous for a pathogenic premature protein termination variant and had muscle biopsy results consistent with Pompe disease (Vill et al. 2015. PubMed ID: 25455803, patient 14). This variant is reported in 0.0031% of alleles in individuals of European (Non-Finnish) descent in gnomAD. This variant is interpreted as likely pathogenic.

Fulgent Genetics
Classification: Likely pathogenic for Glycogen storage disease, type II. Last evaluated: 2024-05-15. Review status: criteria provided, single submitter. Criteria: ACMG Guidelines, 2015. Collection method: clinical testing. Allele origin: germline. Not counted in ClinVar's aggregate classification.

Myriad Genetics, Inc.
Classification: Likely pathogenic for Glycogen storage disease, type II. Last evaluated: 2021-11-08. Review status: criteria provided, single submitter. Criteria: Myriad Women's Health Autosomal Recessive and X-Linked Classification Criteria (2021). Collection method: clinical testing. Allele origin: unknown. Not counted in ClinVar's aggregate classification.
Comment: NM_000152.3(GAA):c.1478C>T(P493L) is a missense variant classified as likely pathogenic in the context of Pompe disease. P493L has been observed in cases with relevant disease (PMID: 25455803, 5614309, 29181627, 29653542). Functional assessments of this variant are not available in the literature. P493L has been observed in population frequency databases (gnomAD: NFE 0.003%). In summary, NM_000152.3(GAA):c.1478C>T(P493L) is a missense variant that has been observed more frequently in cases with the relevant disease than in healthy populations. Please note: this variant was assessed in the context of healthy population screening.

Broad Center for Mendelian Genomics, Broad Institute of MIT and Harvard
Classification: Uncertain significance for Glycogen storage disease, type II. Last evaluated: 2020-01-22. Review status: criteria provided, single submitter. Criteria: ACMG Guidelines, 2015. Collection method: curation. Allele origin: germline. Inheritance: Autosomal recessive inheritance. Not counted in ClinVar's aggregate classification.
Comment: The p.Pro493Leu variant in GAA has been reported in 6 individuals from Germany or Austria with Glycogen Storage Disease II, segregated with disease in 2 affected siblings from 1 family (PMID: 29181627, 24495340, 23160972, 20033296, 25455803), and has also been reported likely pathogenic by GeneDx and Counsyl and pathogenic by Invitae in ClinVar (Variation ID: 379593). This variant has been identified in 0.003% (4/128962) of European (non-Finnish) chromosomes by the Genome Aggregation Database (gnomAD; dbSNP rs148842275). Although this variant has been seen in the general population, its frequency is low enough to be consistent with a recessive carrier frequency. Computational prediction tools and conservation analyses suggest that this variant may impact the protein, though this information is not predictive enough to determine pathogenicity. The presence of this variant in combination with pathogenic and likely pathogenic variants and in individuals with Glycogen Storage Disease II increases the likelihood that the p.Pro493Leu variant is pathogenic (PMID: 20033296, 24495340). The phenotype of individuals heterozygous for this variant is highly specific for Glycogen Storage Disease II based on reduced GAA activity in dried blood spots, consistent with disease (PMID: 20033296, 24495340). In summary, while there is some suspicion for a pathogenic role, the clinical significance of this variant is uncertain. ACMG/AMP Criteria applied: PM2, PP3, PP4, PM3_Supporting (Richards 2015).

Literature cited by the submitters: PubMed 33188503 (cited by Genomenon, Inc); PubMed 31545528 (cited by Genomenon, Inc); PubMed 29653542 (cited by Genomenon, Inc and Myriad Genetics, Inc.); PubMed 20033296 (cited by 3 submitters); PubMed 25455803 (cited by 4 submitters); PubMed 25614309 (cited by Genomenon, Inc); PubMed 24495340 (cited by 3 submitters); PubMed 29181627 (cited by 3 submitters); PubMed 5614309 (cited by Myriad Genetics, Inc.); PubMed 23160972 (cited by Broad Center for Mendelian Genomics, Broad Institute of MIT and Harvard).

NM_000152.5(GAA):c.1478C>T (p.Pro493Leu)

Gene: GAA (alpha glucosidase; plus strand). Cytogenetic location: 17q25.3.
Variant type: single nucleotide variant.
Coding change: c.1478C>T on transcript NM_000152.5 (MANE Select); coding-DNA position 1478, C replaced by T.
Protein change: p.Pro493Leu; replaces proline 493 with leucine.
Molecular consequence: missense variant.
Genome position (GRCh38, 1-based): chr17:80,110,767, C>T. VCF-style: chr17-80110767-C-T. GRCh37 (hg19) VCF-style: chr17-78084566-C-T.
Other names: c.1478C>T (NM_000152.4, LRG_673t1); c.1478C>T, p.Pro493Leu (NM_001079803.3, NM_001079804.3); short protein forms P493L.
Identifiers: ClinVar variation 379593 (VCV000379593.43), dbSNP rs148842275, ClinGen allele CA16608675.
Genomic context (GRCh38, chr17:80,110,767, plus strand): 5'-TGCAGCCTCTCGTTGTCCAGGTATGGCCCGGGTCCACTGCCTTCCCCGACTTCACCAACC[C>T]CACAGCCCTGGCCTGGTGGGAGGACATGGTGGCTGAGTTCCATGACCAGGTGCCCTTCGA-3'
Protein context (NP_000143.2, residues 483-503): GSTAFPDFTN[Pro493Leu]TALAWWEDMV